The following is an entry in ClinVar:

NM_182961.4(SYNE1):c.16390-2A>C

Gene: SYNE1 (spectrin repeat containing nuclear envelope protein 1; minus strand). Cytogenetic location: 6q25.2.
Variant type: single nucleotide variant.
Coding change: c.16390-2A>C on transcript NM_182961.4 (MANE Select); the canonical splice acceptor site of the intron before coding-DNA position 16390, A replaced by C.
Molecular consequence: splice acceptor variant.
Genome position (GRCh38, 1-based): chr6:152,318,265, T>G on the plus strand (A>C on the coding strand, the complement: SYNE1 is on the minus strand). VCF-style: chr6-152318265-T-G. GRCh37 (hg19) VCF-style: chr6-152639400-T-G.
Other names: c.16177-2A>C (NM_033071.5).
Identifiers: ClinVar variation 465779 (VCV000465779.19), dbSNP rs759460806, ClinGen allele CA4055517.

ClinVar aggregate classification (germline): Conflicting classifications of pathogenicity. Review status: criteria provided, conflicting classifications (1 of 4 stars). 5 submissions from 5 submitters: Pathogenic (3); Likely pathogenic (1); Uncertain significance (1). Last evaluated 2026-02-10.

Conditions:
Emery-Dreifuss muscular dystrophy 4, autosomal dominant (EDMD4). Also called: EMERY-DREIFUSS MUSCULAR DYSTROPHY 4 WITH VARIABLE FEATURES. Identifiers: Orphanet 261, MedGen C2751807, MONDO:0013071, OMIM 612998.
Autosomal recessive ataxia, Beauce type. Also called: Spinocerebellar ataxia, autosomal recessive 8; ATAXIA, RECESSIVE, OF BEAUCE; SYNE1 Deficiency; SYNE1-Related Autosomal Recessive Cerebellar Ataxia. Identifiers: Orphanet 88644, MedGen C1853116, MONDO:0012549, OMIM 610743.

Allele frequency attached by ClinVar (database versions not stated): TOPMed 0.00001; ExAC 0.00002.

Submissions (6):

GeneDx
Classification: Pathogenic. Last evaluated: 2026-02-10. Review status: criteria provided, single submitter. Criteria: GeneDx Variant Classification Process June 2021. Collection method: clinical testing. Allele origin: germline.
Comment: Canonical splice site variant predicted to result in an in-frame loss of the adjacent exon in a gene for which loss of function is a known mechanism of disease; Deletions involving coding exons of this gene are a known mechanism of disease (HGMD; other references); Not observed at significant frequency in large population cohorts (gnomAD); Has not been previously published as pathogenic or benign to our knowledge; This variant is associated with the following publications: (PMID: 31275557)

Labcorp Genetics (formerly Invitae), Labcorp
Classification: Pathogenic for Emery-Dreifuss muscular dystrophy 4, autosomal dominant; Autosomal recessive ataxia, Beauce type. Last evaluated: 2024-12-24. Review status: criteria provided, single submitter. Criteria: Invitae Variant Classification Sherloc (09022015). Collection method: clinical testing. Allele origin: germline.
Comment: This sequence change affects an acceptor splice site in intron 84 of the SYNE1 gene. It is expected to disrupt RNA splicing. Variants that disrupt the donor or acceptor splice site typically lead to a loss of protein function (PMID: 16199547), and loss-of-function variants in SYNE1 are known to be pathogenic (PMID: 19542096, 24319099, 27086870). This variant is present in population databases (rs759460806, gnomAD 0.007%). Disruption of this splice site has been observed in individual(s) with cerebellar ataxia (PMID: 17159980). It has also been observed to segregate with disease in related individuals. ClinVar contains an entry for this variant (Variation ID: 465779). Algorithms developed to predict the effect of sequence changes on RNA splicing suggest that this variant may disrupt the consensus splice site. For these reasons, this variant has been classified as Pathogenic.

Athena Diagnostics
Classification: Uncertain significance. Last evaluated: 2019-12-27. Review status: criteria provided, single submitter. Criteria: Athena Diagnostics Criteria. Collection method: clinical testing. Allele origin: unknown.

Revvity Omics, Revvity
Classification: Likely pathogenic. Last evaluated: 2019-08-07. Review status: criteria provided, single submitter. Criteria: ACMG Guidelines, 2015. Collection method: clinical testing. Allele origin: germline.

Eurofins Ntd Llc (ga)
Classification: Pathogenic. Last evaluated: 2017-04-25. Review status: criteria provided, single submitter. Criteria: EGL Classification Definitions 2015. Collection method: clinical testing. Allele origin: germline. Observed: 2 variant alleles, 2 heterozygotes.

Dr. Peter K. Rogan Lab, Western University
No classification provided (evidence only). Condition: Nonpapillary renal cell carcinoma. Review status: no classification provided. Collection method: in vitro. Allele origin: not applicable. Functional consequence: retained intron. Not counted in ClinVar's aggregate classification.

Literature cited by the submitters: PubMed 16199547 (cited by Labcorp Genetics (formerly Invitae), Labcorp); PubMed 19542096 (cited by Labcorp Genetics (formerly Invitae), Labcorp); PubMed 24319099 (cited by Labcorp Genetics (formerly Invitae), Labcorp); PubMed 27086870 (cited by Labcorp Genetics (formerly Invitae), Labcorp); PubMed 17159980 (cited by Labcorp Genetics (formerly Invitae), Labcorp).